The following is an entry in ClinVar:

ClinVar aggregate classification (germline): Uncertain significance (1 of 4 stars; one submission).

Conditions:
Hereditary cancer-predisposing syndrome. Also called: Neoplastic Syndromes, Hereditary; Tumor predisposition; Hereditary Cancer Syndrome; Hereditary neoplastic syndrome. Identifiers: Orphanet 140162, MedGen C0027672, MeSH D009386, MONDO:0015356.

Submission:

Ambry Genetics
Classification: Uncertain significance for Hereditary cancer-predisposing syndrome. Last evaluated: 2026-01-22. Review status: criteria provided, single submitter. Criteria: Ambry Variant Classification Scheme 2023. Collection method: clinical testing. Allele origin: germline.
Comment: The c.904+4A>G intronic variant results from an A to G substitution 4 nucleotides after coding exon 6 in the FH gene. This nucleotide position is not well conserved in available vertebrate species. In silico splice site analysis predicts that this alteration will not have any significant effect on splicing. Based on the available evidence, the clinical significance of this variant remains unclear.

NM_000143.4(FH):c.904+4A>G

Gene: FH (fumarate hydratase; minus strand). Cytogenetic location: 1q43.
Variant type: single nucleotide variant.
Coding change: c.904+4A>G on transcript NM_000143.4 (MANE Select); 4 bases into the intron after coding-DNA position 904, A replaced by G.
Molecular consequence: intron variant.
Genome position (GRCh38, 1-based): chr1:241,505,999, T>C on the plus strand (A>G on the coding strand, the complement: FH is on the minus strand). VCF-style: chr1-241505999-T-C. GRCh37 (hg19) VCF-style: chr1-241669299-T-C.
Identifiers: ClinVar variation 4825083 (VCV004825083.1).